The following is an entry in ClinVar:

ClinVar aggregate classification (germline): Uncertain significance (1 of 4 stars; one submission).

Conditions:
Chuvash polycythemia. Also called: POLYCYTHEMIA, VHL-DEPENDENT. Identifiers: Orphanet 238557, MedGen C1837915, MONDO:0009892, OMIM 263400.
Von Hippel-Lindau syndrome (VHLS). Also called: von Hippel–Lindau syndrome; VHL syndrome; Von Hippel-Lindau. Identifiers: Orphanet 892, MedGen C0019562, MONDO:0008667, OMIM 193300. Disease mechanism: loss of function.

gnomAD v4.1: 1 of 1,533,758 alleles (0.000065%); highest among the groups gnomAD compares: South Asian, 0.0012%; no homozygotes.

Submission:

Labcorp Genetics (formerly Invitae), Labcorp
Classification: Uncertain significance for Von Hippel-Lindau syndrome; Chuvash polycythemia. Last evaluated: 2025-12-01. Review status: criteria provided, single submitter. Criteria: Invitae Variant Classification Sherloc (09022015). Collection method: clinical testing. Allele origin: germline.
Comment: This variant occurs in a non-coding region of the VHL gene. It does not change the encoded amino acid sequence of the VHL protein. This variant is not present in population databases (gnomAD no frequency). This variant has not been reported in the literature in individuals affected with VHL-related conditions. Experimental studies and prediction algorithms are not available or were not evaluated, and the functional significance of this variant is currently unknown. In summary, the available evidence is currently insufficient to determine the role of this variant in disease. Therefore, it has been classified as a Variant of Uncertain Significance.

NM_000551.4(VHL):c.-55G>C

Gene: VHL (von Hippel-Lindau tumor suppressor; plus strand). Cytogenetic location: 3p25.3.
Variant type: single nucleotide variant.
Coding change: c.-55G>C on transcript NM_000551.4 (MANE Select); 55 bases upstream of the start codon, G replaced by C.
Molecular consequence: 5 prime UTR variant. On other transcripts: non-coding transcript variant (1).
Genome position (GRCh38, 1-based): chr3:10,141,793, G>C. VCF-style: chr3-10141793-G-C. GRCh37 (hg19) VCF-style: chr3-10183477-G-C.
Other names: c.-55G>C (NM_001354723.2, NM_198156.3).
Identifiers: ClinVar variation 4786806 (VCV004786806.1).